The following is an entry in ClinVar:

ClinVar aggregate classification (germline): Conflicting classifications of pathogenicity. Review status: criteria provided, conflicting classifications (1 of 4 stars). 3 submissions from 3 submitters: Likely pathogenic (1); Uncertain significance (2). Last evaluated 2024-10-15.

Conditions:
ALDH7A1-related disorder. Also called: ALDH7A1-related condition.
Pyridoxine-dependent epilepsy (EPEO4). Also called: PYRIDOXINE DEPENDENCY WITH SEIZURES; Pyridoxine-Dependent Seizures; Pyridoxine-Dependent Epilepsy - ALDH7A1; EPILEPSY, EARLY-ONSET, 4, VITAMIN B6-DEPENDENT. Identifiers: Orphanet 3006, MedGen C1849508, MONDO:0009945, OMIM 266100. Disease mechanism: loss of function.

Allele frequency attached by ClinVar (database versions not stated): gnomAD exomes below 0.00001.
gnomAD v4.1: 1 of 1,613,678 alleles (0.000062%); highest among the groups gnomAD compares: Admixed American, 0.0017%; no homozygotes.

Submissions (3):

Women's Health and Genetics/Laboratory Corporation of America, LabCorp
Classification: Uncertain significance. Last evaluated: 2024-10-15. Review status: criteria provided, single submitter. Criteria: LabCorp Variant Classification Summary - May 2015. Collection method: clinical testing. Allele origin: germline.
Comment: Variant summary: ALDH7A1 c.1347T>A (p.Asn449Lys) results in a non-conservative amino acid change located in the Aldehyde dehydrogenase domain (IPR015590) of the encoded protein sequence. Five of five in-silico tools predict a damaging effect of the variant on protein function. The variant allele was found at a frequency of 4e-06 in 251190 control chromosomes (gnomAD). The available data on variant occurrences in the general population are insufficient to allow any conclusion about variant significance. c.1347T>A has been reported in the literature in a heterozygous individual affected with Pyridoxine-Dependent Epilepsy without a second variant identified (Gallagher_2009). This report does not provide unequivocal conclusions about association of the variant with Pyridoxine-Dependent Epilepsy. To our knowledge, no experimental evidence demonstrating an impact on protein function has been reported. The following publication has been ascertained in the context of this evaluation (PMID: 19142996). ClinVar contains an entry for this variant (Variation ID: 948590). Based on the evidence outlined above, the variant was classified as uncertain significance.

Blueprint Genetics
Classification: Likely pathogenic for ALDH7A1-related disorders. Last evaluated: 2022-06-24. Review status: criteria provided, single submitter. Criteria: ACMG Guidelines, 2015. Collection method: clinical testing. Allele origin: germline. Affected: yes. Observed: 1 variant allele.

Labcorp Genetics (formerly Invitae), Labcorp
Classification: Uncertain significance for Pyridoxine-dependent epilepsy. Last evaluated: 2021-08-31. Review status: criteria provided, single submitter. Criteria: Invitae Variant Classification Sherloc (09022015). Collection method: clinical testing. Allele origin: germline.
Comment: This sequence change replaces asparagine with lysine at codon 449 of the ALDH7A1 protein (p.Asn449Lys). The asparagine residue is highly conserved and there is a moderate physicochemical difference between asparagine and lysine. This variant is not present in population databases (ExAC no frequency). This missense change has been observed in individual(s) with folinic acid-responsive seizures (PMID: 19142996). This variant is also known as p.Asn421Lys. Algorithms developed to predict the effect of missense changes on protein structure and function (SIFT, PolyPhen-2, Align-GVGD) all suggest that this variant is likely to be disruptive. In summary, the available evidence is currently insufficient to determine the role of this variant in disease. Therefore, it has been classified as a Variant of Uncertain Significance.

Literature cited by the submitters: PubMed 19142996 (cited by Women's Health and Genetics/Laboratory Corporation of America, LabCorp and Labcorp Genetics (formerly Invitae), Labcorp).

NM_001182.5(ALDH7A1):c.1347T>A (p.Asn449Lys)

Gene: ALDH7A1 (aldehyde dehydrogenase 7 family member A1; minus strand). Cytogenetic location: 5q23.2.
Variant type: single nucleotide variant.
Coding change: c.1347T>A on transcript NM_001182.5 (MANE Select); coding-DNA position 1347, T replaced by A.
Protein change: p.Asn449Lys; replaces asparagine 449 with lysine.
Molecular consequence: missense variant.
Genome position (GRCh38, 1-based): chr5:126,550,264, A>T on the plus strand (T>A on the coding strand, the complement: ALDH7A1 is on the minus strand). VCF-style: chr5-126550264-A-T. GRCh37 (hg19) VCF-style: chr5-125885956-A-T.
Other names: c.1263T>A, p.Asn421Lys (NM_001201377.2); c.1155T>A, p.Asn385Lys (NM_001202404.2); short protein forms N385K, N449K, N421K.
Identifiers: ClinVar variation 948590 (VCV000948590.9), dbSNP rs1342037208, ClinGen allele CA360721796.
Genomic context (GRCh38, chr5:126,550,264, plus strand): 5'-GCGAAAGATTCTGCCCAGATCTTTGGTAAAGATGCTACTTGAAAGTCCCTGTTTTACTTC[A>T]TTATTCCATGCAAAGACCTCTTCTTCATTCTAAAAGGAGAGACATTGGAAGCTGTAAGAT-3'
Protein context (NP_001173.2, residues 439-459): KNEEEVFAWN[Asn449Lys]EVKQGLSSSI